The following is an entry in ClinVar:

ClinVar aggregate classification (germline): Likely benign (0 of 4 stars; one submission).

Conditions:
CEP290-related disorder. Also called: CEP290-related condition; CEP290-related disorders. Identifiers: MedGen CN239314.

Submission:

PreventionGenetics, part of Exact Sciences
Classification: Likely benign for CEP290-related condition. Last evaluated: 2022-09-30. Review status: no assertion criteria provided. Collection method: clinical testing. Allele origin: germline.
Comment: This variant is classified as likely benign based on ACMG/AMP sequence variant interpretation guidelines (Richards et al. 2015 PMID: 25741868, with internal and published modifications).

NM_025114.4(CEP290):c.6903A>G (p.Lys2301=)

Gene: CEP290 (centrosomal protein 290; minus strand). Cytogenetic location: 12q21.32.
Variant type: single nucleotide variant.
Coding change: c.6903A>G on transcript NM_025114.4 (MANE Select); coding-DNA position 6903, A replaced by G.
Protein change: p.Lys2301=; no amino-acid change (lysine 2301 retained).
Molecular consequence: synonymous variant.
Genome position (GRCh38, 1-based): chr12:88,055,633, T>C on the plus strand (A>G on the coding strand, the complement: CEP290 is on the minus strand). VCF-style: chr12-88055633-T-C. GRCh37 (hg19) VCF-style: chr12-88449410-T-C.
Identifiers: ClinVar variation 3356922 (VCV003356922.1).